The following is an entry in ClinVar:

ClinVar aggregate classification (germline): Pathogenic (0 of 4 stars; one submission).

Conditions:
Alkaptonuria (AKU). Also called: Alkaptonuric ochronosis; Homogentisic acidura; Alcaptonuria; HOMOGENTISIC ACID OXIDASE DEFICIENCY. Identifiers: Orphanet 56, MedGen C0002066, MONDO:0008753, OMIM 203500.

Submission:

Department Of Human Genetics, Institute Of Clinical And Translational Research, Biomedical Research Center, Slovak Academy Of Sciences
Classification: Pathogenic for Alkaptonuria. Review status: no assertion criteria provided. Collection method: research. Allele origin: germline. Inheritance: Autosomal recessive inheritance. Affected: yes. Observed: 1 variant allele.
Comment: The variant was originally described in AKU patient in PMID:30737480. It has been submitted to the HGD gene mutation database (DB-ID: AKU_00187).

Literature cited by the submitters: PubMed 30737480.

NM_000187.4(HGD):c.509G>C (p.Gly170Ala)

Gene: HGD (homogentisate 1,2-dioxygenase; minus strand). Cytogenetic location: 3q13.33.
Variant type: single nucleotide variant.
Coding change: c.509G>C on transcript NM_000187.4 (MANE Select); coding-DNA position 509, G replaced by C.
Protein change: p.Gly170Ala; replaces glycine 170 with alanine.
Molecular consequence: missense variant.
Genome position (GRCh38, 1-based): chr3:120,647,013, C>G on the plus strand (G>C on the coding strand, the complement: HGD is on the minus strand). VCF-style: chr3-120647013-C-G. GRCh37 (hg19) VCF-style: chr3-120365860-C-G.
Other names: short protein forms G170A.
Identifiers: ClinVar variation 2627688 (VCV002627688.1), dbSNP rs2107511857, ClinGen allele CA354077036.
Genomic context (GRCh38, chr3:120,647,013, plus strand): 5'-GAAGGGGACACATCACCAACCTGAATGACGCAGATCTCATTGGGCTGTACAAGCATCTTG[C>G]CAAACTCGGTGTAAATGAGAAGGTTCCCTTTCTGCGGAACTGACAAAAAAAGACAGGGCA-3'
Protein context (NP_000178.2, residues 160-180): KGNLLIYTEF[Gly170Ala]KMLVQPNEIC